The following is an entry in ClinVar:

NM_032119.4(ADGRV1):c.18775G>T (p.Asp6259Tyr)

Gene: ADGRV1 (adhesion G protein-coupled receptor V1; plus strand). Cytogenetic location: 5q14.3.
Variant type: single nucleotide variant.
Coding change: c.18775G>T on transcript NM_032119.4 (MANE Select); coding-DNA position 18775, G replaced by T.
Protein change: p.Asp6259Tyr; replaces aspartic acid 6259 with tyrosine.
Molecular consequence: missense variant. On other transcripts: non-coding transcript variant (1).
Genome position (GRCh38, 1-based): chr5:91,153,371, G>T. VCF-style: chr5-91153371-G-T. GRCh37 (hg19) VCF-style: chr5-90449188-G-T.
Other names: short protein forms D6259Y.
Identifiers: ClinVar variation 46302 (VCV000046302.9), dbSNP rs397517428, ClinGen allele CA138086.
Genomic context (GRCh38, chr5:91,153,371, plus strand): 5'-CCGTCCTCTGGAGGATATGGCCAGGGGTCACTGATAGCCGATGAGGAGTCCCAGGAGTTT[G>T]ATGATTTAATATTTGCATTAAAAACTGGTATGTATGAACCCATGAACGACATTAGAAGTA-3'
Protein context (NP_115495.3, residues 6249-6269): LIADEESQEF[Asp6259Tyr]DLIFALKTGA

ClinVar aggregate classification (germline): Uncertain significance. Review status: criteria provided, multiple submitters, no conflicts (2 of 4 stars). 4 submissions from 4 submitters: Uncertain significance (4). Last evaluated 2022-12-23.

Allele frequency attached by ClinVar (database versions not stated): gnomAD 0.00003; gnomAD exomes 0.00003; ExAC 0.00005; TOPMed 0.00005.
gnomAD v4.1: 62 of 1,607,772 alleles (0.0039%); highest among the groups gnomAD compares: Admixed American, 0.0051%; no homozygotes.

Submissions (4):

GeneDx
Classification: Uncertain significance. Last evaluated: 2022-12-23. Review status: criteria provided, single submitter. Criteria: GeneDx Variant Classification Process June 2021. Collection method: clinical testing. Allele origin: germline. Affected: yes.
Comment: In silico analysis supports that this missense variant has a deleterious effect on protein structure/function; In silico analysis is inconclusive as to whether the variant alters gene splicing. In the absence of RNA/functional studies, the actual effect of this sequence change is unknown.; Has not been previously published as pathogenic or benign to our knowledge

Labcorp Genetics (formerly Invitae), Labcorp
Classification: Uncertain significance. Last evaluated: 2022-10-28. Review status: criteria provided, single submitter. Criteria: Invitae Variant Classification Sherloc (09022015). Collection method: clinical testing. Allele origin: germline.
Comment: This sequence change replaces aspartic acid, which is acidic and polar, with tyrosine, which is neutral and polar, at codon 6259 of the ADGRV1 protein (p.Asp6259Tyr). This variant is present in population databases (rs397517428, gnomAD 0.03%). This variant has not been reported in the literature in individuals affected with ADGRV1-related conditions. ClinVar contains an entry for this variant (Variation ID: 46302). Algorithms developed to predict the effect of missense changes on protein structure and function are either unavailable or do not agree on the potential impact of this missense change (SIFT: "Deleterious"; PolyPhen-2: "Probably Damaging"; Align-GVGD: "Class C0"). Algorithms developed to predict the effect of sequence changes on RNA splicing suggest that this variant may disrupt the consensus splice site. In summary, the available evidence is currently insufficient to determine the role of this variant in disease. Therefore, it has been classified as a Variant of Uncertain Significance.

Blueprint Genetics
Classification: Uncertain significance. Last evaluated: 2019-12-11. Review status: criteria provided, single submitter. Criteria: ACMG Guidelines, 2015. Collection method: clinical testing. Allele origin: germline.

Laboratory for Molecular Medicine, Mass General Brigham Personalized Medicine
Classification: Uncertain significance. Last evaluated: 2010-08-17. Review status: criteria provided, single submitter. Criteria: LMM Criteria. Collection method: clinical testing. Allele origin: germline. Observed: 1 variant allele.
Comment: The Asp6259Tyr variant in GPR98 has not been reported in the literature nor prev iously identified by our laboratory. This residue is conserved across many speci es and computational analyses (PolyPhen, SIFT) suggest that the Asp6259Tyr varia nt may impact the protein. However, this information is not predictive enough to assume pathogenicity. It should be noted that this laboratory has only tested 11 H ispanic probands and therefore has limited data on the spectrum of benign varian ts in this population. Future analysis could reveal that the Asp6259Tyr variant is common in this population and therefore unlikely to be disease causing. In su mmary, the clinical significance of this variant cannot be determined at this ti me.